The following is an entry in ClinVar:

ClinVar aggregate classification (germline): Uncertain significance. Review status: criteria provided, multiple submitters, no conflicts (2 of 4 stars). 2 submissions from 2 submitters: Uncertain significance (2). Last evaluated 2025-12-02.

Conditions:
Cardiovascular phenotype. Identifiers: MedGen CN230736.
Dilated cardiomyopathy 1W (CMD1W). Identifiers: Orphanet 154, MedGen C1969639, MONDO:0012667, OMIM 611407.

Allele frequency attached by ClinVar (database versions not stated): TOPMed below 0.00001.

Submissions (2):

Ambry Genetics
Classification: Uncertain significance for Cardiovascular phenotype. Last evaluated: 2025-12-02. Review status: criteria provided, single submitter. Criteria: Ambry Variant Classification Scheme 2023. Collection method: clinical testing. Allele origin: germline.
Comment: The p.A257T variant (also known as c.769G>A), located in coding exon 6 of the VCL gene, results from a G to A substitution at nucleotide position 769. The alanine at codon 257 is replaced by threonine, an amino acid with similar properties. This amino acid position is conserved. In addition, the in silico prediction for this alteration is inconclusive. Based on the available evidence, the clinical significance of this variant remains unclear.

Labcorp Genetics (formerly Invitae), Labcorp
Classification: Uncertain significance for Dilated cardiomyopathy 1W. Last evaluated: 2021-12-27. Review status: criteria provided, single submitter. Criteria: Invitae Variant Classification Sherloc (09022015). Collection method: clinical testing. Allele origin: germline.
Comment: In summary, the available evidence is currently insufficient to determine the role of this variant in disease. Therefore, it has been classified as a Variant of Uncertain Significance. Algorithms developed to predict the effect of missense changes on protein structure and function are either unavailable or do not agree on the potential impact of this missense change (SIFT: "Not Available"; PolyPhen-2: "Probably Damaging"; Align-GVGD: "Not Available"). This variant has not been reported in the literature in individuals affected with VCL-related conditions. This variant is not present in population databases (gnomAD no frequency). This sequence change replaces alanine, which is neutral and non-polar, with threonine, which is neutral and polar, at codon 257 of the VCL protein (p.Ala257Thr).

NM_014000.3(VCL):c.769G>A (p.Ala257Thr)

Gene: VCL (vinculin; plus strand). Cytogenetic location: 10q22.2.
Variant type: single nucleotide variant.
Coding change: c.769G>A on transcript NM_014000.3 (MANE Select); coding-DNA position 769, G replaced by A.
Protein change: p.Ala257Thr; replaces alanine 257 with threonine.
Molecular consequence: missense variant.
Genome position (GRCh38, 1-based): chr10:74,074,889, G>A. VCF-style: chr10-74074889-G-A. GRCh37 (hg19) VCF-style: chr10-75834647-G-A.
Other names: c.769G>A, p.Ala257Thr (NM_003373.4); c.769G>A (NM_014000.2); short protein forms A257T.
Identifiers: ClinVar variation 1509092 (VCV001509092.9), dbSNP rs1229013198, ClinGen allele CA377268615.